The following is an entry in ClinVar:

NM_001034853.2(RPGR):c.838_842del (p.Phe279_Leu280insTer)

Gene: RPGR (retinitis pigmentosa GTPase regulator; minus strand). Cytogenetic location: Xp11.4.
Variant type: Microsatellite.
Coding change: c.838_842del on transcript NM_001034853.2 (MANE Select); coding-DNA positions 838 to 842, 5 bases deleted (CTTTT; older notation c.838_842delCTTTT).
Protein change: p.Phe279_Leu280insTer.
Molecular consequence: nonsense. On other transcripts: non-coding transcript variant (5).
Genome position (GRCh38, 1-based): chrX:38,304,727-38,304,731, AAAAG deleted on the plus strand (CTTTT on the coding strand, the reverse complement: RPGR is on the minus strand); deleting any 5 consecutive bases within chrX:38,304,727-38,304,736 gives the same sequence; the c. name uses the placement nearest the transcript's 3' end. VCF-style (leftmost placement, unchanged base first): chrX-38304726-AAAAAG-A. GRCh37 (hg19) VCF-style: chrX-38163979-AAAAAG-A.
Other names: NM_001034853.2(RPGR):c.838_842del; p.Phe279_Leu280insTer; c.838_842del, p.Phe279_Leu280insTer (NM_000328.3, NM_001367246.1, NM_001367247.1 and 1 more transcripts); c.835_839del, p.Phe278_Leu279insTer (NM_001367245.1, NM_001367249.1, NM_001367250.1); c.868_872del, p.Phe289_Leu290insTer (NM_001367248.1).
Identifiers: ClinVar variation 2138542 (VCV002138542.5), dbSNP rs2519847164, ClinGen allele CA2580616965.

ClinVar aggregate classification (germline): Pathogenic. Review status: reviewed by expert panel (3 of 4 stars). 2 submissions from 2 submitters: Pathogenic (1). 1 of the submissions does not count toward it. Last evaluated 2025-09-07.

Conditions:
Primary ciliary dyskinesia. Also called: Ciliary dyskinesia. Identifiers: Orphanet 244, MedGen C0008780, MONDO:0016575, HP:0012265.
RPGR-related retinopathy. Also called: RPGR retinopathy. Identifiers: MedGen CN305589, MONDO:0100437.

Submissions (2):

ClinGen X-linked Inherited Retinal Disease Variant Curation Expert Panel, ClinGen
Classification: Pathogenic for RPGR-related retinopathy. Last evaluated: 2025-09-07. Review status: reviewed by expert panel. Criteria: ClinGen X LinkedIRD ACMG Specifications RPGR V1.0.0. Collection method: curation. Allele origin: germline. Inheritance: X-linked inheritance.
Comment: NM_001034853.2(RPGR):c.838_842del (p.Phe279_Leu280insTer) is a frameshift variant due to 7-nucleotide deletion which results in a premature stop codon within exon 8 of 15 and is predicted to trigger nonsense-mediated decay (PVS1). This variant is absent from gnomAD v4.1.0 (PM2_Supporting). This variant has been reported in at least 2 apparently unrelated probands meeting one of the PS4 requirements of a male with some functional vision impairment by age 30 years and/or decreased or absent electroretinogram responses, or a female with functional visual abnormality and documentation of a male relative affected with retinitis pigmentosa (PMID: 17325176, PMID: 21857984; PS4_Supporting). In summary, this variant is classified as pathogenic for RPGR-related retinopathy based on the ClinGen X-linked Inherited Retinal Disease Expert Panel Specifications to the ACMG/AMP Variant Interpretation Guidelines for RPGR Version 1.0.0; PVS1, PM2_Supporting, and PS4_Supporting.

Labcorp Genetics (formerly Invitae), Labcorp
Classification: Pathogenic for Primary ciliary dyskinesia. Last evaluated: 2022-06-10. Review status: criteria provided, single submitter. Criteria: Invitae Variant Classification Sherloc (09022015). Collection method: clinical testing. Allele origin: germline. Not counted in ClinVar's aggregate classification.
Comment: This sequence change creates a premature translational stop signal (p.Leu280*) in the RPGR gene. It is expected to result in an absent or disrupted protein product. Loss-of-function variants in RPGR are known to be pathogenic (PMID: 16055928, 16969763). This variant is not present in population databases (gnomAD no frequency). This premature translational stop signal has been observed in individual(s) with X-linked retinitis pigmentosa (PMID: 14564670). For these reasons, this variant has been classified as Pathogenic.

Literature cited by the submitters: PubMed 16055928 (cited by Labcorp Genetics (formerly Invitae), Labcorp); PubMed 16969763 (cited by Labcorp Genetics (formerly Invitae), Labcorp); PubMed 14564670 (cited by Labcorp Genetics (formerly Invitae), Labcorp).